The following is an entry in ClinVar:

NM_001105247.2(ARMC5):c.1786C>T (p.Leu596=)

Gene: ARMC5 (armadillo repeat containing 5; plus strand). Cytogenetic location: 16p11.2.
Variant type: single nucleotide variant.
Coding change: c.1786C>T on transcript NM_001105247.2 (MANE Select); coding-DNA position 1786, C replaced by T.
Protein change: p.Leu596=; no amino-acid change (leucine 596 retained).
Molecular consequence: synonymous variant.
Genome position (GRCh38, 1-based): chr16:31,464,809, C>T. VCF-style: chr16-31464809-C-T. GRCh37 (hg19) VCF-style: chr16-31476130-C-T.
Other names: c.2071C>T, p.Leu691= (NM_001288767.2); c.1882C>T, p.Leu628= (NM_001301820.1); c.1786C>T, p.Leu596= (NM_024742.2).
Identifiers: ClinVar variation 3029484 (VCV003029484.2), dbSNP rs1181650566, ClinGen allele CA494934320.

ClinVar aggregate classification (germline): Likely benign (0 of 4 stars; one submission).

Conditions:
ARMC5-related disorder. Also called: ARMC5-related condition.

gnomAD v4.1: 2 of 1,597,966 alleles (0.00013%); highest among the groups gnomAD compares: African/African-American, 0.0027%; no homozygotes.

Submission:

PreventionGenetics, part of Exact Sciences
Classification: Likely benign for ARMC5-related condition. Last evaluated: 2022-01-18. Review status: no assertion criteria provided. Collection method: clinical testing. Allele origin: germline.
Comment: This variant is classified as likely benign based on ACMG/AMP sequence variant interpretation guidelines (Richards et al. 2015 PMID: 25741868, with internal and published modifications).